The following is an entry in ClinVar:

NM_001164508.2(NEB):c.23350A>G (p.Lys7784Glu)

Genes: NEB (nebulin; minus strand), RIF1 (replication timing regulatory factor 1; plus strand). Cytogenetic location: 2q23.3.
Variant type: single nucleotide variant.
Coding change: c.23350A>G on transcript NM_001164508.2 (MANE Select); coding-DNA position 23350, A replaced by G.
Protein change: p.Lys7784Glu; replaces lysine 7784 with glutamic acid.
Molecular consequence: missense variant.
Genome position (GRCh38, 1-based): chr2:151,508,106, T>C on the plus strand (A>G on the coding strand, the complement: NEB is on the minus strand). VCF-style: chr2-151508106-T-C. GRCh37 (hg19) VCF-style: chr2-152364620-T-C.
Other names: c.23350A>G, p.Lys7784Glu (NM_001164507.2); c.23455A>G, p.Lys7819Glu (NM_001271208.2); c.18247A>G, p.Lys6083Glu (NM_004543.5); c.18247A>G (NM_004543.4); short protein forms K7784E, K6083E, K7819E.
Identifiers: ClinVar variation 948218 (VCV000948218.10), dbSNP rs2070773602, ClinGen allele CA348785634.

ClinVar aggregate classification (germline): Uncertain significance. Review status: criteria provided, multiple submitters, no conflicts (2 of 4 stars). 3 submissions from 3 submitters: Uncertain significance (2). 1 of the submissions does not count toward it. Last evaluated 2025-04-28.

Conditions:
Inborn genetic diseases. Identifiers: MedGen C0950123, MeSH D030342.
Nemaline myopathy 2 (NEM2). Also called: Nemaline myopathy 2, autosomal recessive. Identifiers: MedGen C1850569, MONDO:0009725, OMIM 256030.

Allele frequency attached by ClinVar (database versions not stated): gnomAD exomes 0.00001.
gnomAD v4.1: 9 of 1,599,032 alleles (0.00056%); highest among the groups gnomAD compares: Non-Finnish European, 0.00077%; no homozygotes.

Submissions (3):

Ambry Genetics
Classification: Uncertain significance for Inborn genetic diseases. Last evaluated: 2025-04-28. Review status: criteria provided, single submitter. Criteria: Ambry Variant Classification Scheme 2023. Collection method: clinical testing. Allele origin: germline.

Labcorp Genetics (formerly Invitae), Labcorp
Classification: Uncertain significance for Nemaline myopathy 2. Last evaluated: 2022-08-23. Review status: criteria provided, single submitter. Criteria: Invitae Variant Classification Sherloc (09022015). Collection method: clinical testing. Allele origin: germline.
Comment: This sequence change replaces lysine, which is basic and polar, with glutamic acid, which is acidic and polar, at codon 7819 of the NEB protein (p.Lys7819Glu). This variant is not present in population databases (gnomAD no frequency). This variant has not been reported in the literature in individuals affected with NEB-related conditions. ClinVar contains an entry for this variant (Variation ID: 948218). Algorithms developed to predict the effect of missense changes on protein structure and function are either unavailable or do not agree on the potential impact of this missense change (SIFT: "Deleterious"; PolyPhen-2: "Not Available"; Align-GVGD: "Class C0"). Algorithms developed to predict the effect of sequence changes on RNA splicing suggest that this variant may create or strengthen a splice site. In summary, the available evidence is currently insufficient to determine the role of this variant in disease. Therefore, it has been classified as a Variant of Uncertain Significance.

Natera, Inc.
Classification: Uncertain significance for Nemaline myopathy type 2. Last evaluated: 2021-02-02. Review status: no assertion criteria provided. Collection method: clinical testing. Allele origin: germline. Not counted in ClinVar's aggregate classification.